The following is an entry in ClinVar:

NM_005709.4(USH1C):c.1266G>A (p.Thr422=)

Gene: USH1C (USH1 protein network component harmonin; minus strand). Cytogenetic location: 11p15.1.
Variant type: single nucleotide variant.
Coding change: c.1266G>A on transcript NM_005709.4 (MANE Plus Clinical); coding-DNA position 1266, G replaced by A.
Protein change: p.Thr422=; no amino-acid change (threonine 422 retained).
Molecular consequence: synonymous variant. On other transcripts: intron variant (1).
Genome position (GRCh38, 1-based): chr11:17,517,419, C>T on the plus strand (G>A on the coding strand, the complement: USH1C is on the minus strand). VCF-style: chr11-17517419-C-T. GRCh37 (hg19) VCF-style: chr11-17538966-C-T.
Other names: c.1209G>A, p.Thr403= (NM_001297764.2); c.1211-1129G>A (NM_153676.4).
Identifiers: ClinVar variation 45427 (VCV000045427.28), dbSNP rs35188020, ClinGen allele CA136324.

ClinVar aggregate classification (germline): Benign/Likely benign. Review status: criteria provided, multiple submitters, no conflicts (2 of 4 stars). 8 submissions from 8 submitters: Benign (4); Likely benign (3). 1 of the submissions does not count toward it. Last evaluated 2026-01-28.

Conditions:
Usher syndrome type 1C. Also called: USHER SYNDROME, TYPE I, ACADIAN VARIETY. Identifiers: Orphanet 231169, Orphanet 886, MedGen C1848604, MONDO:0010171, OMIM 276904.

Allele frequency attached by ClinVar (database versions not stated): gnomAD exomes 0.00048 and 0.00123; 1000 Genomes Project 30x 0.00328; 1000 Genomes Project 0.00339; ExAC 0.00341; gnomAD 0.00513 and 0.00558; ESP Exome Variant Server 0.00555; TOPMed 0.00617.
gnomAD v4.1: 1,505 of 1,590,498 alleles (0.095%); highest among the groups gnomAD compares: African/African-American, 1.8%; 13 homozygotes.

Submissions (8):

Labcorp Genetics (formerly Invitae), Labcorp
Classification: Benign. Last evaluated: 2026-01-28. Review status: criteria provided, single submitter. Criteria: Invitae Variant Classification Sherloc (09022015). Collection method: clinical testing. Allele origin: germline.

Blueprint Genetics
Classification: Likely benign. Last evaluated: 2024-10-22. Review status: criteria provided, single submitter. Criteria: ACMG Guidelines, 2015. Collection method: clinical testing. Allele origin: germline.

GeneDx
Classification: Benign. Last evaluated: 2019-06-07. Review status: criteria provided, single submitter. Criteria: GeneDx Variant Classification Process June 2021. Collection method: clinical testing. Allele origin: germline. Affected: yes.

Illumina Laboratory Services, Illumina
Classification: Likely benign for Usher syndrome type 1C. Last evaluated: 2018-01-12. Review status: criteria provided, single submitter. Criteria: ICSL Variant Classification Criteria 13 December 2019. Collection method: clinical testing. Allele origin: germline.
Comment: This variant was observed in the ICSL laboratory as part of a predisposition screen in an ostensibly healthy population. It had not been previously curated by ICSL or reported in the Human Gene Mutation Database (HGMD: prior to June 1st, 2018), and was therefore a candidate for classification through an automated scoring system. Utilizing variant allele frequency, disease prevalence and penetrance estimates, and inheritance mode, an automated score was calculated to assess if this variant is too frequent to cause the disease. Based on the score and internal cut-off values, a variant classified as likely benign is not then subjected to further curation. The score for this variant resulted in a classification of likely benign for this disease.

Eurofins Ntd Llc (ga)
Classification: Benign. Last evaluated: 2014-04-17. Review status: criteria provided, single submitter. Criteria: EGL Classification Definitions 2015. Collection method: clinical testing. Allele origin: germline. Observed: 1 variant allele, 1 heterozygote.

Laboratory for Molecular Medicine, Mass General Brigham Personalized Medicine
Classification: Benign. Last evaluated: 2012-12-11. Review status: criteria provided, single submitter. Criteria: LMM Criteria. Collection method: clinical testing. Allele origin: germline. Observed: 9 variant alleles.
Comment: Thr422Thr in Exon 15B of USH1C: This variant is not expected to have clinical si gnificance because it does not alter an amino acid residue, is not located withi n the splice consensus sequence, and has been identified in 1.6% (61/3734) of Af rican American chromosomes from a broad population by the NHLBI Exome Sequencing Project (dbSNP rs35188020).

Breakthrough Genomics
Classification: Likely benign. Review status: criteria provided, single submitter. Criteria: ACMG Guidelines, 2015. Collection method: not provided. Allele origin: germline. Inheritance: Autosomal recessive inheritance. Affected: yes.

Natera, Inc.
Classification: Benign for Usher syndrome type 1C. Last evaluated: 2019-10-18. Review status: no assertion criteria provided. Collection method: clinical testing. Allele origin: germline. Not counted in ClinVar's aggregate classification.